The following is an entry in ClinVar:

NM_001166108.2(PALLD):c.1965-12777C>T

Gene: PALLD (palladin, cytoskeletal associated protein; plus strand). Cytogenetic location: 4q32.3.
Variant type: single nucleotide variant.
Coding change: c.1965-12777C>T on transcript NM_001166108.2 (MANE Select); 12777 bases into the intron before coding-DNA position 1965, C replaced by T.
Molecular consequence: intron variant. On other transcripts: missense variant (1).
Genome position (GRCh38, 1-based): chr4:168,878,145, C>T. VCF-style: chr4-168878145-C-T. GRCh37 (hg19) VCF-style: chr4-169799296-C-T.
Other names: c.254C>T, p.Ser85Leu (NM_001166110.2); c.1965-12777C>T (NM_016081.4); c.819-12777C>T (NM_001166109.2); c.-157-12777C>T (NM_001367570.1, NM_001367568.1, NM_001367567.1 and 1 more transcripts); short protein forms S85L.
Identifiers: ClinVar variation 219522 (VCV000219522.11), dbSNP rs864622140, ClinGen allele CA350721.

ClinVar aggregate classification (germline): Uncertain significance. Review status: criteria provided, multiple submitters, no conflicts (2 of 4 stars). 3 submissions from 3 submitters: Uncertain significance (3). Last evaluated 2025-08-25.

Conditions:
PALLD-related disorder. Also called: PALLD-related condition.
Pancreatic adenocarcinoma. Identifiers: MedGen C0281361, MONDO:0006047, HP:0006725.

Allele frequency attached by ClinVar (database versions not stated): gnomAD 0.00003 and 0.00004; gnomAD exomes 0.00004; TOPMed 0.00004.
gnomAD v4.1: 77 of 1,488,824 alleles (0.0052%); highest among the groups gnomAD compares: Non-Finnish European, 0.0067%; no homozygotes.

Submissions (3):

Labcorp Genetics (formerly Invitae), Labcorp
Classification: Uncertain significance for Pancreatic adenocarcinoma. Last evaluated: 2025-08-25. Review status: criteria provided, single submitter. Criteria: Invitae Variant Classification Sherloc (09022015). Collection method: clinical testing. Allele origin: germline.
Comment: This sequence change replaces serine, which is neutral and polar, with leucine, which is neutral and non-polar, at codon 85 of the PALLD protein (p.Ser85Leu). This variant is present in population databases (no rsID available, gnomAD 0.01%). This variant has not been reported in the literature in individuals affected with PALLD-related conditions. ClinVar contains an entry for this variant (Variation ID: 219522). An algorithm developed to predict the effect of missense changes on protein structure and function (PolyPhen-2) suggests that this variant is likely to be tolerated. In summary, the available evidence is currently insufficient to determine the role of this variant in disease. Therefore, it has been classified as a Variant of Uncertain Significance.

Ambry Genetics
Classification: Uncertain significance. Last evaluated: 2025-04-21. Review status: criteria provided, single submitter. Criteria: Ambry Variant Classification Scheme 2023. Collection method: clinical testing. Allele origin: germline.

PreventionGenetics, part of Exact Sciences
Classification: Uncertain significance for PALLD-related condition. Last evaluated: 2023-05-03. Review status: criteria provided, single submitter. Criteria: ACMG Guidelines, 2015. Collection method: clinical testing. Allele origin: germline.
Comment: The PALLD c.254C>T variant is predicted to result in the amino acid substitution p.Ser85Leu. To our knowledge, this variant has not been reported in the literature. This variant is reported in 0.012% of alleles in individuals of European (Non-Finnish) descent in gnomAD and has been interpreted as variant of uncertain significance in the ClinVar database. At this time, the clinical significance of this variant is uncertain due to the absence of conclusive functional and genetic evidence.